The following is an entry in ClinVar:

ClinVar aggregate classification (germline): Uncertain significance (1 of 4 stars; one submission).

Allele frequency attached by ClinVar (database versions not stated): TOPMed below 0.00001.

Submission:

Labcorp Genetics (formerly Invitae), Labcorp
Classification: Uncertain significance. Last evaluated: 2024-10-16. Review status: criteria provided, single submitter. Criteria: Invitae Variant Classification Sherloc (09022015). Collection method: clinical testing. Allele origin: germline.
Comment: This sequence change replaces isoleucine, which is neutral and non-polar, with methionine, which is neutral and non-polar, at codon 975 of the RP1 protein (p.Ile975Met). This variant is not present in population databases (gnomAD no frequency). This variant has not been reported in the literature in individuals affected with RP1-related conditions. ClinVar contains an entry for this variant (Variation ID: 1918385). An algorithm developed to predict the effect of missense changes on protein structure and function outputs the following: PolyPhen-2: "Benign". The methionine amino acid residue is found in multiple mammalian species, which suggests that this missense change does not adversely affect protein function. In summary, the available evidence is currently insufficient to determine the role of this variant in disease. Therefore, it has been classified as a Variant of Uncertain Significance.

NM_006269.2(RP1):c.2925A>G (p.Ile975Met)

Gene: RP1 (RP1 axonemal microtubule associated; plus strand). Cytogenetic location: 8q12.1.
Variant type: single nucleotide variant.
Coding change: c.2925A>G on transcript NM_006269.2 (MANE Select); coding-DNA position 2925, A replaced by G.
Protein change: p.Ile975Met; replaces isoleucine 975 with methionine.
Molecular consequence: missense variant. On other transcripts: intron variant (1).
Genome position (GRCh38, 1-based): chr8:54,626,807, A>G. VCF-style: chr8-54626807-A-G. GRCh37 (hg19) VCF-style: chr8-55539367-A-G.
Other names: c.787+4519A>G (NM_001375654.1); short protein forms I975M.
Identifiers: ClinVar variation 1918385 (VCV001918385.5), dbSNP rs1806068338, ClinGen allele CA370994928.